The following is an entry in ClinVar:

ClinVar aggregate classification (germline): Likely pathogenic (1 of 4 stars; one submission).

Submission:

Labcorp Genetics (formerly Invitae), Labcorp
Classification: Likely pathogenic. Last evaluated: 2025-10-03. Review status: criteria provided, single submitter. Criteria: Invitae Variant Classification Sherloc (09022015). Collection method: clinical testing. Allele origin: germline.
Comment: This variant results in the deletion of part of exon 4 (c.204-84_207del) of the IL2RB gene. It is expected to disrupt RNA splicing. Variants that disrupt the donor or acceptor splice site typically lead to a loss of protein function (PMID: 16199547), and loss-of-function variants in IL2RB are known to be pathogenic (PMID: 31040185). This variant is not present in population databases (gnomAD no frequency). This variant has not been reported in the literature in individuals affected with IL2RB-related conditions. In summary, the currently available evidence indicates that the variant is pathogenic, but additional data are needed to prove that conclusively. Therefore, this variant has been classified as Likely Pathogenic.

Literature cited by the submitters: PubMed 16199547; PubMed 31040185.

NM_000878.5(IL2RB):c.204-84_207del

Gene: IL2RB (interleukin 2 receptor subunit beta; minus strand). Cytogenetic location: 22q12.3.
Variant type: Deletion.
Coding change: c.204-84_207del on transcript NM_000878.5 (MANE Select); 84 bases into the intron before coding-DNA position 204 through coding-DNA position 207, 88 bases deleted.
Molecular consequence: splice acceptor variant.
Genome position (GRCh38, 1-based): chr22:37,142,509-37,142,596, 88 bases deleted. GRCh37 (hg19): chr22:37,538,551-37,538,638.
Other names: c.204-84_207del (NM_001346222.1, NM_001346223.2).
Identifiers: ClinVar variation 4727425 (VCV004727425.1).